The following is an entry in ClinVar:

NM_001006658.3(CR2):c.7G>T (p.Ala3Ser)

Gene: CR2 (complement C3d receptor 2; plus strand). Cytogenetic location: 1q32.2.
Variant type: single nucleotide variant.
Coding change: c.7G>T on transcript NM_001006658.3 (MANE Select); coding-DNA position 7, G replaced by T.
Protein change: p.Ala3Ser; replaces alanine 3 with serine.
Molecular consequence: missense variant.
Genome position (GRCh38, 1-based): chr1:207,454,425, G>T. VCF-style: chr1-207454425-G-T. GRCh37 (hg19) VCF-style: chr1-207627770-G-T.
Other names: c.7G>T, p.Ala3Ser (NM_001877.5); short protein forms A3S.
Identifiers: ClinVar variation 577887 (VCV000577887.9), dbSNP rs1423906073, ClinGen allele CA344518842.

ClinVar aggregate classification (germline): Uncertain significance. Review status: criteria provided, multiple submitters, no conflicts (2 of 4 stars). 2 submissions from 2 submitters: Uncertain significance (2). Last evaluated 2025-10-06.

Conditions:
Inborn genetic diseases. Identifiers: MedGen C0950123, MeSH D030342.
Immunodeficiency, common variable, 7. Identifiers: Orphanet 1572, Orphanet 696894, MedGen C3542922, MONDO:0013862, OMIM 614699.

Allele frequency attached by ClinVar (database versions not stated): TOPMed below 0.00001.

Submissions (2):

Ambry Genetics
Classification: Uncertain significance for Inborn genetic diseases. Last evaluated: 2025-10-06. Review status: criteria provided, single submitter. Criteria: Ambry Variant Classification Scheme 2023. Collection method: clinical testing. Allele origin: germline.

Labcorp Genetics (formerly Invitae), Labcorp
Classification: Uncertain significance for Immunodeficiency, common variable, 7. Last evaluated: 2023-11-27. Review status: criteria provided, single submitter. Criteria: Invitae Variant Classification Sherloc (09022015). Collection method: clinical testing. Allele origin: germline.
Comment: This sequence change replaces alanine, which is neutral and non-polar, with serine, which is neutral and polar, at codon 3 of the CR2 protein (p.Ala3Ser). The frequency data for this variant in the population databases is considered unreliable, as metrics indicate poor data quality at this position in the gnomAD database. This variant has not been reported in the literature in individuals affected with CR2-related conditions. ClinVar contains an entry for this variant (Variation ID: 577887). Algorithms developed to predict the effect of missense changes on protein structure and function output the following: SIFT: "Not Available"; PolyPhen-2: "Benign"; Align-GVGD: "Not Available". The serine amino acid residue is found in multiple mammalian species, which suggests that this missense change does not adversely affect protein function. In summary, the available evidence is currently insufficient to determine the role of this variant in disease. Therefore, it has been classified as a Variant of Uncertain Significance.